The following is an entry in ClinVar:

ClinVar aggregate classification (germline): Pathogenic. Review status: reviewed by expert panel (3 of 4 stars). 2 submissions from 2 submitters: Pathogenic (1). 1 of the submissions does not count toward it. Last evaluated 2016-09-08.

Conditions:
Hereditary breast ovarian cancer syndrome. Also called: Hereditary breast and ovarian cancer syndrome (HBOC); Breast and ovarian cancer; Hereditary breast and ovarian cancer syndrome; Hereditary breast and ovarian cancer; BRCA1- and BRCA2-Associated Hereditary Breast and Ovarian Cancer; Hereditary breast and/or ovarian cancer syndrome. Identifiers: Orphanet 145, MedGen C0677776, MeSH D061325, MONDO:0003582. Disease mechanism: loss of function.
Breast-ovarian cancer, familial, susceptibility to, 1 (BROVCA1). Also called: BRCA1 Hereditary Breast and Ovarian Cancer; OVARIAN CANCER, SUSCEPTIBILITY TO. Identifiers: Orphanet 145, MedGen C2676676, MONDO:0011450, OMIM 604370. Disease mechanism: loss of function.

Submissions (2):

Evidence-based Network for the Interpretation of Germline Mutant Alleles (ENIGMA)
Classification: Pathogenic for Breast-ovarian cancer, familial, susceptibility to, 1. Last evaluated: 2016-09-08. Review status: reviewed by expert panel. Criteria: ENIGMA BRCA1/2 Classification Criteria (2015). Collection method: curation. Allele origin: germline.
Comment: Variant allele predicted to encode a truncated non-functional protein.

Women's Health and Genetics/Laboratory Corporation of America, LabCorp
Classification: Likely pathogenic for Hereditary breast and ovarian cancer syndrome. Last evaluated: 2019-06-20. Review status: criteria provided, single submitter. Criteria: LabCorp Variant Classification Summary - May 2015. Collection method: clinical testing. Allele origin: germline. Not counted in ClinVar's aggregate classification.
Comment: Variant summary: BRCA1 c.2806_2807delGA (p.Asp936X) results in a premature termination codon, predicted to cause a truncation of the encoded protein or absence of the protein due to nonsense mediated decay, which are commonly known mechanisms for disease. Truncations downstream of this position have been classified as pathogenic by our laboratory. The variant was absent in 251214 control chromosomes (gnomAD). To our knowledge, no occurrence of c.2806_2807delGA in individuals affected with Hereditary Breast and Ovarian Cancer and no experimental evidence demonstrating its impact on protein function have been reported. A ClinVar submission from an expert panel (ENIGMA, evaluation after 2014) cites the variant as pathogenic. Based on the evidence outlined above, the variant was classified as likely pathogenic.

NM_007294.4(BRCA1):c.2806_2807del (p.Lys935_Asp936insTer)

Gene: BRCA1 (BRCA1 DNA repair associated; minus strand). Cytogenetic location: 17q21.31.
Variant type: Deletion.
Coding change: c.2806_2807del on transcript NM_007294.4 (MANE Select); coding-DNA positions 2806 to 2807, 2 bases deleted (GA; older notation c.2806_2807delGA).
Protein change: p.Lys935_Asp936insTer.
Molecular consequence: nonsense. On other transcripts: frameshift variant (2), intron variant (137).
Genome position (GRCh38, 1-based): chr17:43,092,724-43,092,725, TC deleted on the plus strand (GA on the coding strand, the reverse complement: BRCA1 is on the minus strand); deleting any 2 consecutive bases within chr17:43,092,724-43,092,726 gives the same sequence; the c. name uses the placement nearest the transcript's 3' end. VCF-style (leftmost placement, unchanged base first): chr17-43092723-ATC-A. GRCh37 (hg19) VCF-style: chr17-41244740-ATC-A.
Other names: c.2806_2807delGA (NM_007294.3); c.455-1693_455-1692del (NM_001408502.1); c.578-1693_578-1692del (NM_001408489.1, NM_001408479.1, NM_001408482.1 and 9 more transcripts); c.662-1693_662-1692del (NM_001408445.1, NM_001408432.1, NM_001408450.1 and 6 more transcripts); c.668-1693_668-1692del (NM_001408431.1, NM_001408424.1, NM_001408421.1); c.785-1693_785-1692del (NM_001408407.1, NM_001408402.1, NM_001408473.1 and 13 more transcripts); c.665-1693_665-1692del (NM_001408443.1, NM_001408439.1, NM_001408425.1 and 12 more transcripts); c.671-1693_671-1692del (NM_001408419.1, NM_001408422.1, NM_001408418.1 and 2 more transcripts); and 43 more.
Identifiers: ClinVar variation 254419 (VCV000254419.4), dbSNP rs886038004, ClinGen allele CA10586639.